The following is an entry in ClinVar:

NM_001042492.3(NF1):c.5548G>T (p.Val1850Phe)

Gene: NF1 (neurofibromin 1; plus strand). Cytogenetic location: 17q11.2.
Variant type: single nucleotide variant.
Coding change: c.5548G>T on transcript NM_001042492.3 (MANE Select); coding-DNA position 5548, G replaced by T.
Protein change: p.Val1850Phe; replaces valine 1850 with phenylalanine.
Molecular consequence: missense variant.
Genome position (GRCh38, 1-based): chr17:31,327,778, G>T. VCF-style: chr17-31327778-G-T. GRCh37 (hg19) VCF-style: chr17-29654796-G-T.
Other names: c.5485G>T, p.Val1829Phe (NM_000267.4); short protein forms V1829F, V1850F.
Identifiers: ClinVar variation 804227 (VCV000804227.12), dbSNP rs1597832397, ClinGen allele CA399009855.
Genomic context (GRCh38, chr17:31,327,778, plus strand): 5'-CGCTGGGAACTGTCACAGCCCGACTCTATCCCCCAACACACCAAGATTCGGCCAAAAGAT[G>T]TCCCTGGGACACTGCTCAATATCGCATTACTTAATTTAGGCAGTTCTGACCCGAGTTTAC-3'
Protein context (NP_001035957.1, residues 1840-1860): PQHTKIRPKD[Val1850Phe]PGTLLNIALL

ClinVar aggregate classification (germline): Uncertain significance. Review status: criteria provided, multiple submitters, no conflicts (2 of 4 stars). 4 submissions from 4 submitters: Uncertain significance (3). 1 of the submissions does not count toward it. Last evaluated 2026-02-26.

Conditions:
Neurofibromatosis, type 1 (NF1). Also called: Peripheral type neurofibromatosis; NEUROFIBROMATOSIS, TYPE I, SOMATIC; Neurofibromatosis, type I; VON RECKLINGHAUSEN DISEASE. Identifiers: Orphanet 636, MedGen C0027831, MONDO:0018975, OMIM 162200. Disease mechanism: loss of function.

Allele frequency attached by ClinVar (database versions not stated): TOPMed below 0.00001.

Submissions (4):

NHS Central & South Genomic Laboratory Hub
Classification: Uncertain significance for Neurofibromatosis type 1. Last evaluated: 2026-02-26. Review status: criteria provided, single submitter. Criteria: ACMG Guidelines, 2015. Collection method: clinical testing. Allele origin: germline. Affected: yes.

GeneDx
Classification: Uncertain significance. Last evaluated: 2022-11-03. Review status: criteria provided, single submitter. Criteria: GeneDx Variant Classification Process June 2021. Collection method: clinical testing. Allele origin: germline. Affected: yes.
Comment: Not observed at significant frequency in large population cohorts (gnomAD); In silico analysis supports that this missense variant has a deleterious effect on protein structure/function; Has not been previously published as pathogenic or benign to our knowledge

Labcorp Genetics (formerly Invitae), Labcorp
Classification: Uncertain significance for Neurofibromatosis, type 1. Last evaluated: 2019-12-25. Review status: criteria provided, single submitter. Criteria: Invitae Variant Classification Sherloc (09022015). Collection method: clinical testing. Allele origin: germline.
Comment: This variant has not been reported in the literature in individuals with NF1-related conditions. This variant is not present in population databases (ExAC no frequency). This sequence change replaces valine with phenylalanine at codon 1829 of the NF1 protein (p.Val1829Phe). The valine residue is moderately conserved and there is a small physicochemical difference between valine and phenylalanine. Algorithms developed to predict the effect of missense changes on protein structure and function are either unavailable or do not agree on the potential impact of this missense change (SIFT: "Deleterious"; PolyPhen-2: "Probably Damaging"; Align-GVGD: "Class C0"). In summary, the available evidence is currently insufficient to determine the role of this variant in disease. Therefore, it has been classified as a Variant of Uncertain Significance.

Swedish Neurofibromatosis Center, Swedish Medical Center
Classification: Likely pathogenic for Neurofibromatosis, type 1. Last evaluated: 2019-12-17. Review status: no assertion criteria provided. Collection method: clinical testing. Allele origin: unknown. Inheritance: Autosomal dominant inheritance. Affected: yes. Observed: 1 heterozygote. Not counted in ClinVar's aggregate classification.
Comment: PM1: Hot-spot of length 61 base-pairs has 16 non-VUS variants PM2: Variant not found in GnomAD exomes PP2: 204 out of 225 non-VUS missense variants in gene NF1 are pathogenic PP#: Pathogenic computational verdict because 11 pathogenic predictions